The following is an entry in ClinVar:

ClinVar aggregate classification (germline): Uncertain significance (1 of 4 stars; one submission).

Conditions:
Granulomatous disease, chronic, autosomal recessive, cytochrome b-positive, type 2. Also called: GRANULOMATOUS DISEASE, CHRONIC, AUTOSOMAL RECESSIVE, 2; CGD, AUTOSOMAL RECESSIVE CYTOCHROME b-POSITIVE, TYPE II; GRANULOMATOUS DISEASE, CHRONIC, DUE TO NCF2 DEFICIENCY; Chronic granulomatous disease due to deficiency of NCF-2; Chronic Granulomatous Disease, Autosomal Recessive, Cytochrome b-Positive, Type II. Identifiers: Orphanet 379, MedGen C1856245, MONDO:0009310, OMIM 233710.

gnomAD v4.1: 1 of 1,614,078 alleles (0.000062%); no homozygotes.

Submission:

Labcorp Genetics (formerly Invitae), Labcorp
Classification: Uncertain significance for Granulomatous disease, chronic, autosomal recessive, cytochrome b-positive, type 2. Last evaluated: 2021-11-14. Review status: criteria provided, single submitter. Criteria: Invitae Variant Classification Sherloc (09022015). Collection method: clinical testing. Allele origin: germline.
Comment: In summary, the available evidence is currently insufficient to determine the role of this variant in disease. Therefore, it has been classified as a Variant of Uncertain Significance. Algorithms developed to predict the effect of missense changes on protein structure and function output the following: SIFT: "Tolerated"; PolyPhen-2: "Benign"; Align-GVGD: "Class C0". The lysine amino acid residue is found in multiple mammalian species, which suggests that this missense change does not adversely affect protein function. This variant has not been reported in the literature in individuals affected with NCF2-related conditions. This variant is present in population databases (no rsID available, gnomAD no frequency). This sequence change replaces glutamine, which is neutral and polar, with lysine, which is basic and polar, at codon 100 of the NCF2 protein (p.Gln100Lys).

NM_000433.4(NCF2):c.298C>A (p.Gln100Lys)

Gene: NCF2 (neutrophil cytosolic factor 2; minus strand). Cytogenetic location: 1q25.3.
Variant type: single nucleotide variant.
Coding change: c.298C>A on transcript NM_000433.4 (MANE Select); coding-DNA position 298, C replaced by A.
Protein change: p.Gln100Lys; replaces glutamine 100 with lysine.
Molecular consequence: missense variant.
Genome position (GRCh38, 1-based): chr1:183,577,667, G>T on the plus strand (C>A on the coding strand, the complement: NCF2 is on the minus strand). VCF-style: chr1-183577667-G-T. GRCh37 (hg19) VCF-style: chr1-183546802-G-T.
Other names: c.298C>A, p.Gln100Lys (NM_001127651.3, NM_001190789.2, NM_001190794.2); short protein forms Q100K.
Identifiers: ClinVar variation 1379924 (VCV001379924.6), dbSNP rs119103276, ClinGen allele CA343679384.
Genomic context (GRCh38, chr1:183,577,667, plus strand): 5'-CAAACAGCTTGAACTGGAGCCCCAGGATCTTATAGTCTATCAGCTGGTTCCCTCGAAGCT[G>T]AATCAAGGCTTCTTTAAGGTCTTTGATAGCCAAATCATATCTGCAGGACAGAGGGAGAAA-3'
Protein context (NP_000424.2, residues 90-110): AIKDLKEALI[Gln100Lys]LRGNQLIDYK